The following is an entry in ClinVar:

ClinVar aggregate classification (germline): Uncertain significance. Review status: criteria provided, multiple submitters, no conflicts (2 of 4 stars). 3 submissions from 3 submitters: Uncertain significance (3). Last evaluated 2025-12-09.

Conditions:
Inborn genetic diseases. Identifiers: MedGen C0950123, MeSH D030342.

Allele frequency attached by ClinVar (database versions not stated): TOPMed below 0.00001; gnomAD exomes 0.00001.
gnomAD v4.1: 7 of 1,613,942 alleles (0.00043%); highest among the groups gnomAD compares: Non-Finnish European, 0.00059%; no homozygotes.

Submissions (3):

Ambry Genetics
Classification: Uncertain significance for Inborn genetic diseases. Last evaluated: 2025-12-09. Review status: criteria provided, single submitter. Criteria: Ambry Variant Classification Scheme 2023. Collection method: clinical testing. Allele origin: germline.

GeneDx
Classification: Uncertain significance. Last evaluated: 2024-11-13. Review status: criteria provided, single submitter. Criteria: GeneDx Variant Classification Process June 2021. Collection method: clinical testing. Allele origin: germline. Affected: yes.
Comment: Not observed at significant frequency in large population cohorts (gnomAD); In-silico analysis is inconclusive as to whether the variant impacts protein structure/function. In the absence of functional studies, the actual effect of this sequence change is unknown; Has not been previously published as pathogenic or benign to our knowledge

Labcorp Genetics (formerly Invitae), Labcorp
Classification: Uncertain significance. Last evaluated: 2024-10-30. Review status: criteria provided, single submitter. Criteria: Invitae Variant Classification Sherloc (09022015). Collection method: clinical testing. Allele origin: germline.
Comment: This sequence change replaces glutamic acid, which is acidic and polar, with glycine, which is neutral and non-polar, at codon 1181 of the MAGEL2 protein (p.Glu1181Gly). This variant is not present in population databases (gnomAD no frequency). This variant has not been reported in the literature in individuals affected with MAGEL2-related conditions. ClinVar contains an entry for this variant (Variation ID: 2970285). Invitae Evidence Modeling of protein sequence and biophysical properties (such as structural, functional, and spatial information, amino acid conservation, physicochemical variation, residue mobility, and thermodynamic stability) has been performed for this missense variant. However, the output from this modeling did not meet the statistical confidence thresholds required to predict the impact of this variant on MAGEL2 protein function. In summary, the available evidence is currently insufficient to determine the role of this variant in disease. Therefore, it has been classified as a Variant of Uncertain Significance.

NM_019066.5(MAGEL2):c.3542A>G (p.Glu1181Gly)

Gene: MAGEL2 (MAGE family member L2; minus strand). Cytogenetic location: 15q11.2.
Variant type: single nucleotide variant.
Coding change: c.3542A>G on transcript NM_019066.5 (MANE Select); coding-DNA position 3542, A replaced by G.
Protein change: p.Glu1181Gly; replaces glutamic acid 1181 with glycine.
Molecular consequence: missense variant.
Genome position (GRCh38, 1-based): chr15:23,644,201, T>C on the plus strand (A>G on the coding strand, the complement: MAGEL2 is on the minus strand). VCF-style: chr15-23644201-T-C. GRCh37 (hg19) VCF-style: chr15-23889348-T-C.
Other names: c.3542A>G (NM_019066.4); short protein forms E1181G.
Identifiers: ClinVar variation 2970285 (VCV002970285.5), dbSNP rs1382606059, ClinGen allele CA391322356.
Genomic context (GRCh38, chr15:23,644,201, plus strand): 5'-AAAAACCTCAGGACAAGCATCTTGCTGGTTTCCAGGAATGCTCGAGGGCCCCAGAGGAAC[T>C]CATACTCTGCGGGCTCAGTGTAAGGGATTCGCCTGTACTCTAGGTACTTCTGCCTGACAA-3'
Protein context (NP_061939.3, residues 1171-1191): RIPYTEPAEY[Glu1181Gly]FLWGPRAFLE